The following is an entry in ClinVar:

ClinVar aggregate classification (germline): Uncertain significance (1 of 4 stars; one submission).

Conditions:
Hereditary cancer-predisposing syndrome. Also called: Tumor predisposition; Neoplastic Syndromes, Hereditary; Hereditary neoplastic syndrome; Hereditary Cancer Syndrome. Identifiers: Orphanet 140162, MedGen C0027672, MeSH D009386, MONDO:0015356.

Submission:

Ambry Genetics
Classification: Uncertain significance for Hereditary cancer-predisposing syndrome. Last evaluated: 2024-07-13. Review status: criteria provided, single submitter. Criteria: Ambry Variant Classification Scheme 2023. Collection method: clinical testing. Allele origin: germline.
Comment: The p.F177C variant (also known as c.530T>G), located in coding exon 2 of the BLM gene, results from a T to G substitution at nucleotide position 530. The phenylalanine at codon 177 is replaced by cysteine, an amino acid with highly dissimilar properties. This amino acid position is conserved. In addition, this alteration is predicted to be tolerated by in silico analysis. Based on the available evidence, the clinical significance of this variant remains unclear.

NM_000057.4(BLM):c.530T>G (p.Phe177Cys)

Gene: BLM (BLM RecQ like helicase; plus strand). Cytogenetic location: 15q26.1.
Variant type: single nucleotide variant.
Coding change: c.530T>G on transcript NM_000057.4 (MANE Select); coding-DNA position 530, T replaced by G.
Protein change: p.Phe177Cys; replaces phenylalanine 177 with cysteine.
Molecular consequence: missense variant. On other transcripts: 5 prime UTR variant (1).
Genome position (GRCh38, 1-based): chr15:90,749,798, T>G. VCF-style: chr15-90749798-T-G. GRCh37 (hg19) VCF-style: chr15-91293028-T-G.
Other names: c.530T>G, p.Phe177Cys (NM_001287246.2, NM_001287247.2); c.-762T>G (NM_001287248.2); short protein forms F177C.
Identifiers: ClinVar variation 3480814 (VCV003480814.1).